The following is an entry in ClinVar:

NM_003280.3(TNNC1):c.24+6G>A

Gene: TNNC1 (troponin C1, slow skeletal and cardiac type; minus strand). Cytogenetic location: 3p21.1.
Variant type: single nucleotide variant.
Coding change: c.24+6G>A on transcript NM_003280.3 (MANE Select); 6 bases into the intron after coding-DNA position 24, G replaced by A.
Molecular consequence: intron variant.
Genome position (GRCh38, 1-based): chr3:52,453,986, C>T on the plus strand (G>A on the coding strand, the complement: TNNC1 is on the minus strand). VCF-style: chr3-52453986-C-T. GRCh37 (hg19) VCF-style: chr3-52488002-C-T.
Other names: c.24+6G>A (LRG_378t1).
Identifiers: ClinVar variation 382597 (VCV000382597.6), dbSNP rs1057521396, ClinGen allele CA16604990.

ClinVar aggregate classification (germline): Conflicting classifications of pathogenicity. Review status: criteria provided, conflicting classifications (1 of 4 stars). 2 submissions from 2 submitters: Uncertain significance (1); Likely benign (1). Last evaluated 2025-09-27.

Conditions:
Dilated cardiomyopathy 1Z (CMD1Z). Identifiers: Orphanet 154, MedGen C2678475, MONDO:0012745, OMIM 611879.
Hypertrophic cardiomyopathy 13. Also called: TNNC1-Related Familial Hypertrophic Cardiomyopathy. Identifiers: MedGen C2750472, MONDO:0013195, OMIM 613243.

Allele frequency attached by ClinVar (database versions not stated): TOPMed 0.00002.
gnomAD v4.1: 1 of 1,586,456 alleles (0.000063%); no homozygotes.

Submissions (2):

Labcorp Genetics (formerly Invitae), Labcorp
Classification: Uncertain significance for Hypertrophic cardiomyopathy 13; Dilated cardiomyopathy 1Z. Last evaluated: 2025-09-27. Review status: criteria provided, single submitter. Criteria: Invitae Variant Classification Sherloc (09022015). Collection method: clinical testing. Allele origin: germline.
Comment: This sequence change falls in intron 1 of the TNNC1 gene. It does not directly change the encoded amino acid sequence of the TNNC1 protein. It affects a nucleotide within the consensus splice site. This variant is not present in population databases (gnomAD no frequency). This variant has not been reported in the literature in individuals affected with TNNC1-related conditions. ClinVar contains an entry for this variant (Variation ID: 382597). Variants that disrupt the consensus splice site are a relatively common cause of aberrant splicing (PMID: 17576681, 9536098). Algorithms developed to predict the effect of sequence changes on RNA splicing suggest that this variant is not likely to affect RNA splicing. In summary, the available evidence is currently insufficient to determine the role of this variant in disease. Therefore, it has been classified as a Variant of Uncertain Significance.

GeneDx
Classification: Likely benign. Last evaluated: 2015-12-29. Review status: criteria provided, single submitter. Criteria: GeneDx Variant Classification (06012015). Collection method: clinical testing. Allele origin: germline. Affected: yes.
Comment: This variant is considered likely benign or benign based on one or more of the following criteria: it is a conservative change, it occurs at a poorly conserved position in the protein, it is predicted to be benign by multiple in silico algorithms, and/or has population frequency not consistent with disease.

Literature cited by the submitters: PubMed 17576681 (cited by Labcorp Genetics (formerly Invitae), Labcorp); PubMed 9536098 (cited by Labcorp Genetics (formerly Invitae), Labcorp).